The following is an entry in ClinVar:

NM_004235.6(KLF4):c.306C>G (p.Leu102=)

Gene: KLF4 (KLF transcription factor 4; minus strand). Cytogenetic location: 9q31.2.
Variant type: single nucleotide variant.
Coding change: c.306C>G on transcript NM_004235.6 (MANE Select); coding-DNA position 306, C replaced by G.
Protein change: p.Leu102=; no amino-acid change (leucine 102 retained).
Molecular consequence: synonymous variant.
Genome position (GRCh38, 1-based): chr9:107,488,088, G>C on the plus strand (C>G on the coding strand, the complement: KLF4 is on the minus strand). VCF-style: chr9-107488088-G-C. GRCh37 (hg19) VCF-style: chr9-110250369-G-C.
Other names: c.306C>G, p.Leu102= (NM_001314052.2).
Identifiers: ClinVar variation 3053769 (VCV003053769.2), dbSNP rs370082993, ClinGen allele CA5173319.
Genomic context (GRCh38, chr9:107,488,088, plus strand): 5'-GGCGGCCACTGACTCCGGAGGATGGGTCAGCGAATTGGAGAGAATAAAGTCCAGGTCCAG[G>C]AGATCGTTGAACTCCTCGGTCTCTCTCCGAGGTAGGGGCGCCAGGTTGCTACCGCCGCAA-3'
Protein context (NP_004226.3, residues 92-112): PRRETEEFND[Leu102=]LDLDFILSNS

ClinVar aggregate classification (germline): Likely benign (0 of 4 stars; one submission).

Conditions:
KLF4-related disorder. Also called: KLF4-related condition.

Allele frequency attached by ClinVar (database versions not stated): ExAC 0.00002; gnomAD 0.00003.
gnomAD v4.1: 17 of 1,613,018 alleles (0.0011%); highest among the groups gnomAD compares: East Asian, 0.033%; no homozygotes.

Submission:

PreventionGenetics, part of Exact Sciences
Classification: Likely benign for KLF4-related condition. Last evaluated: 2019-08-29. Review status: no assertion criteria provided. Collection method: clinical testing. Allele origin: germline.
Comment: This variant is classified as likely benign based on ACMG/AMP sequence variant interpretation guidelines (Richards et al. 2015 PMID: 25741868, with internal and published modifications).